The following is an entry in ClinVar:

ClinVar aggregate classification (germline): Conflicting classifications of pathogenicity. Review status: criteria provided, conflicting classifications (1 of 4 stars). 4 submissions from 4 submitters: Uncertain significance (1); Likely benign (2). 1 of the submissions does not count toward it. Last evaluated 2025-11-08.

Conditions:
Kleefstra syndrome 2 (KLEFS2). Identifiers: MedGen C4540395, MONDO:0054701, OMIM 617768.
Inborn genetic diseases. Identifiers: MedGen C0950123, MeSH D030342.

Allele frequency attached by ClinVar (database versions not stated): gnomAD exomes 0.00001 and 0.00002; TOPMed 0.00002; ExAC 0.00004.
gnomAD v4.1: 10 of 1,614,128 alleles (0.00062%); highest among the groups gnomAD compares: South Asian, 0.0077%; no homozygotes.

Submissions (4):

Ambry Genetics
Classification: Likely benign for Inborn genetic diseases. Last evaluated: 2025-11-08. Review status: criteria provided, single submitter. Criteria: Ambry Variant Classification Scheme 2023. Collection method: clinical testing. Allele origin: germline.

New York Genome Center
Classification: Uncertain significance for Kleefstra syndrome 2. Last evaluated: 2023-08-18. Review status: criteria provided, single submitter. Criteria: NYGC Assertion Criteria 2020. Collection method: clinical testing. Allele origin: inherited. Observed: 1 heterozygote.

Labcorp Genetics (formerly Invitae), Labcorp
Classification: Likely benign. Last evaluated: 2023-07-07. Review status: criteria provided, single submitter. Criteria: Invitae Variant Classification Sherloc (09022015). Collection method: clinical testing. Allele origin: germline.

ITMI
No classification provided. Condition: AllHighlyPenetrant. Last evaluated: 2013-09-19. Review status: no classification provided. Collection method: reference population. Allele origin: germline. Not counted in ClinVar's aggregate classification.
Comment: Please see associated publication for description of ethnicities

Literature cited by the submitters: PubMed 24728327 (cited by ITMI).

NM_170606.3(KMT2C):c.6896A>G (p.Tyr2299Cys)

Gene: KMT2C (lysine methyltransferase 2C; minus strand). Cytogenetic location: 7q36.1.
Variant type: single nucleotide variant.
Coding change: c.6896A>G on transcript NM_170606.3 (MANE Select); coding-DNA position 6896, A replaced by G.
Protein change: p.Tyr2299Cys; replaces tyrosine 2299 with cysteine.
Molecular consequence: missense variant.
Genome position (GRCh38, 1-based): chr7:152,180,964, T>C on the plus strand (A>G on the coding strand, the complement: KMT2C is on the minus strand). VCF-style: chr7-152180964-T-C. GRCh37 (hg19) VCF-style: chr7-151878049-T-C.
Other names: c.6896A>G (NM_170606.2); short protein forms Y2299C.
Identifiers: ClinVar variation 134756 (VCV000134756.8), dbSNP rs587778494, ClinGen allele CA160683.
Genomic context (GRCh38, chr7:152,180,964, plus strand): 5'-GCAGTTTGACTTGTTCCAAAAGAGTCAGACTGAGATCTTGGAGTCATTGGAGACTGATCA[T>C]AGGGATCACGGGCAGCAGATGGGGAAACACGGCTAAATGTGTCTGAAAGACCAGGTCCAG-3'
Protein context (NP_733751.2, residues 2289-2309): RVSPSAARDP[Tyr2299Cys]DQSPMTPRSQ